The following is an entry in ClinVar:

ClinVar aggregate classification (germline): Uncertain significance (1 of 4 stars; one submission).

Allele frequency attached by ClinVar (database versions not stated): gnomAD exomes below 0.00001; gnomAD 0.00001.
gnomAD v4.1: 4 of 1,613,994 alleles (0.00025%); highest among the groups gnomAD compares: Non-Finnish European, 0.00034%; no homozygotes.

Submission:

CeGaT Center for Human Genetics Tuebingen
Classification: Uncertain significance. Last evaluated: 2022-11-01. Review status: criteria provided, single submitter. Criteria: CeGaT Center For Human Genetics Tuebingen Variant Classification Criteria Version 2. Collection method: clinical testing. Allele origin: germline. Affected: yes. Observed: 1 variant allele.
Comment: NUP188: PM2, BP4

NM_015354.3(NUP188):c.1002C>G (p.Asn334Lys)

Gene: NUP188 (nucleoporin 188; plus strand). Cytogenetic location: 9q34.11.
Variant type: single nucleotide variant.
Coding change: c.1002C>G on transcript NM_015354.3 (MANE Select); coding-DNA position 1002, C replaced by G.
Protein change: p.Asn334Lys; replaces asparagine 334 with lysine.
Molecular consequence: missense variant.
Genome position (GRCh38, 1-based): chr9:128,970,847, C>G. VCF-style: chr9-128970847-C-G. GRCh37 (hg19) VCF-style: chr9-131733126-C-G.
Other names: short protein forms N334K.
Identifiers: ClinVar variation 2659553 (VCV002659553.24), dbSNP rs1161942776, ClinGen allele CA375080655.